The following is an entry in ClinVar:

NM_003850.3(SUCLA2):c.398C>T (p.Ser133Leu)

Gene: SUCLA2 (succinate-CoA ligase ADP-forming subunit beta; minus strand). Cytogenetic location: 13q14.2.
Variant type: single nucleotide variant.
Coding change: c.398C>T on transcript NM_003850.3 (MANE Select); coding-DNA position 398, C replaced by T.
Protein change: p.Ser133Leu; replaces serine 133 with leucine.
Molecular consequence: missense variant.
Genome position (GRCh38, 1-based): chr13:47,988,677, G>A on the plus strand (C>T on the coding strand, the complement: SUCLA2 is on the minus strand). VCF-style: chr13-47988677-G-A. GRCh37 (hg19) VCF-style: chr13-48562812-G-A.
Other names: c.398C>T (NM_003850.2); short protein forms S133L.
Identifiers: ClinVar variation 1426764 (VCV001426764.6), dbSNP rs1430676159, ClinGen allele CA388150954.

ClinVar aggregate classification (germline): Uncertain significance. Review status: criteria provided, multiple submitters, no conflicts (2 of 4 stars). 2 submissions from 2 submitters: Uncertain significance (2). Last evaluated 2025-03-16.

Conditions:
Inborn genetic diseases. Identifiers: MedGen C0950123, MeSH D030342.
Mitochondrial DNA depletion syndrome, encephalomyopathic form with methylmalonic aciduria (MTDPS5). Also called: MITOCHONDRIAL DNA DEPLETION SYNDROME, ENCEPHALOMYOPATHIC FORM, WITH OR WITHOUT METHYLMALONIC ACIDURIA, AUTOSOMAL RECESSIVE, SUCLA2-RELATED; Mitochondrial DNA depletion syndrome 5 (encephalomyopathic with or without methylmalonic aciduria); Mitochondrial encephalomyopathy aminoacidopathy; SUCLA2-Related Mitochondrial DNA Depletion Syndrome, Encephalomyopathic Form with Methylmalonic Aciduria. Identifiers: Orphanet 1933, MedGen C5980207, MONDO:0012791, OMIM 612073.

Allele frequency attached by ClinVar (database versions not stated): gnomAD 0.00001; gnomAD exomes 0.00001; TOPMed 0.00001.
gnomAD v4.1: 17 of 1,613,644 alleles (0.0011%); highest among the groups gnomAD compares: Admixed American, 0.0083%; no homozygotes.

Submissions (2):

Ambry Genetics
Classification: Uncertain significance for Inborn genetic diseases. Last evaluated: 2025-03-16. Review status: criteria provided, single submitter. Criteria: Ambry Variant Classification Scheme 2023. Collection method: clinical testing. Allele origin: germline.

Labcorp Genetics (formerly Invitae), Labcorp
Classification: Uncertain significance for Mitochondrial DNA depletion syndrome, encephalomyopathic form with methylmalonic aciduria. Last evaluated: 2022-08-09. Review status: criteria provided, single submitter. Criteria: Invitae Variant Classification Sherloc (09022015). Collection method: clinical testing. Allele origin: germline.
Comment: This sequence change replaces serine, which is neutral and polar, with leucine, which is neutral and non-polar, at codon 133 of the SUCLA2 protein (p.Ser133Leu). This variant is present in population databases (no rsID available, gnomAD 0.006%). This variant has not been reported in the literature in individuals affected with SUCLA2-related conditions. ClinVar contains an entry for this variant (Variation ID: 1426764). Algorithms developed to predict the effect of missense changes on protein structure and function are either unavailable or do not agree on the potential impact of this missense change (SIFT: "Deleterious"; PolyPhen-2: "Possibly Damaging"; Align-GVGD: "Class C0"). In summary, the available evidence is currently insufficient to determine the role of this variant in disease. Therefore, it has been classified as a Variant of Uncertain Significance.